The following is an entry in ClinVar:

NM_000359.3(TGM1):c.1625_1626insTC (p.Leu543fs)

Gene: TGM1 (transglutaminase 1; minus strand). Cytogenetic location: 14q12.
Variant type: Insertion.
Coding change: c.1625_1626insTC on transcript NM_000359.3 (MANE Select); coding-DNA positions 1625 to 1626, TC inserted.
Protein change: p.Leu543fs; shifts the reading frame from leucine 543.
Molecular consequence: frameshift variant.
Genome position: GRCh38 VCF-style: chr14-24255383-G-GGA. GRCh37 (hg19) VCF-style: chr14-24724589-G-GGA.
Other names: short protein forms L543fs.
Identifiers: ClinVar variation 1724691 (VCV001724691.2), dbSNP rs2502494799, ClinGen allele CA2580087954.

ClinVar aggregate classification (germline): Likely pathogenic (1 of 4 stars; one submission).

Conditions:
Autosomal recessive congenital ichthyosis 1 (LI1). Also called: DESQUAMATION OF NEWBORN; ICHTHYOSIS CONGENITA; ICHTHYOSIS CONGENITA II; LAMELLAR EXFOLIATION OF NEWBORN; ICHTHYOSIS, CONGENITAL, AUTOSOMAL RECESSIVE 1, WITH BATHING SUIT DISTRIBUTION; ICHTHYOSIS, CONGENITAL, AUTOSOMAL RECESSIVE 1, WITH OR WITHOUT BATHING SUIT DISTRIBUTION. Identifiers: MedGen C4551630, MONDO:0009441, OMIM 242300.

Submission:

Myriad Genetics, Inc.
Classification: Likely pathogenic for Autosomal recessive congenital ichthyosis 1. Last evaluated: 2022-02-25. Review status: criteria provided, single submitter. Criteria: Myriad Women's Health Autosomal Recessive and X-Linked Classification Criteria (2021). Collection method: clinical testing. Allele origin: unknown.
Comment: NM_000359.2(TGM1):c.1625_1626insTC(L543Pfs*16) is expected to be pathogenic in the context of TGM1-related autosomal recessive congenital ichthyosis. This variant is predicted to lead to an abnormal or absent protein product due to the creation of a premature termination codon in TGM1, a gene where loss-of-function variants are known to be pathogenic. Please note: this variant was assessed in the context of healthy population screening.